The following is an entry in ClinVar:

NM_000334.4(SCN4A):c.4501A>G (p.Met1501Val)

Genes: GH-LCR (growth hormone locus control region; plus strand), SCN4A (sodium voltage-gated channel alpha subunit 4; minus strand). Cytogenetic location: 17q23.3.
Variant type: single nucleotide variant.
Coding change: c.4501A>G on transcript NM_000334.4 (MANE Select); coding-DNA position 4501, A replaced by G.
Protein change: p.Met1501Val; replaces methionine 1501 with valine.
Molecular consequence: missense variant.
Genome position (GRCh38, 1-based): chr17:63,941,781, T>C on the plus strand (A>G on the coding strand, the complement: SCN4A is on the minus strand). VCF-style: chr17-63941781-T-C. GRCh37 (hg19) VCF-style: chr17-62019141-T-C.
Other names: short protein forms M1501V.
Identifiers: ClinVar variation 2627464 (VCV002627464.1), dbSNP rs2509284950, ClinGen allele CA400615888.

ClinVar aggregate classification (germline): Uncertain significance (1 of 4 stars; one submission).

Conditions:
Hypokalemic periodic paralysis, type 2 (HOKPP2). Identifiers: Orphanet 681, MedGen C2750061, MONDO:0013234, OMIM 613345.

Allele frequency attached by ClinVar (database versions not stated): gnomAD exomes below 0.00001.

Submission:

Neuberg Centre For Genomic Medicine, NCGM
Classification: Uncertain significance for Hypokalemic periodic paralysis, type 2. Review status: criteria provided, single submitter. Criteria: ACMG Guidelines, 2015. Collection method: clinical testing. Allele origin: germline. Inheritance: Autosomal dominant inheritance. Affected: yes.
Comment: The missense variant p.M1501V in SCN4A (NM_000334.4) has not been reported previously as a pathogenic variant nor as a benign variant, to our knowledge. The p.M1501V variant is novel (not in any individuals) in gnomAD Exomes and is novel (not in any individuals) in 1000 Genomes. The p.M1501V missense variant is predicted to be damaging by both SIFT and PolyPhen2. The methionine residue at codon 1501 of SCN4A is conserved in all mammalian species. The nucleotide c.4501 in SCN4A is predicted conserved by GERP++ and PhyloP across 100 vertebrates. For these reasons, this variant has been classified as Uncertain Significance.